The following is an entry in ClinVar:

NM_015466.4(PTPN23):c.3927G>C (p.Gln1309His)

Gene: PTPN23 (protein tyrosine phosphatase non-receptor type 23; plus strand). Cytogenetic location: 3p21.31.
Variant type: single nucleotide variant.
Coding change: c.3927G>C on transcript NM_015466.4 (MANE Select); coding-DNA position 3927, G replaced by C.
Protein change: p.Gln1309His; replaces glutamine 1309 with histidine.
Molecular consequence: missense variant.
Genome position (GRCh38, 1-based): chr3:47,411,821, G>C. VCF-style: chr3-47411821-G-C. GRCh37 (hg19) VCF-style: chr3-47453311-G-C.
Other names: c.3549G>C, p.Gln1183His (NM_001304482.2); short protein forms Q1183H, Q1309H.
Identifiers: ClinVar variation 2994398 (VCV002994398.1), dbSNP rs1253829047, ClinGen allele CA352564656.

ClinVar aggregate classification (germline): Uncertain significance (1 of 4 stars; one submission).

Allele frequency attached by ClinVar (database versions not stated): TOPMed 0.00001.

Submission:

Labcorp Genetics (formerly Invitae), Labcorp
Classification: Uncertain significance. Last evaluated: 2023-07-19. Review status: criteria provided, single submitter. Criteria: Invitae Variant Classification Sherloc (09022015). Collection method: clinical testing. Allele origin: germline.
Comment: This sequence change replaces glutamine, which is neutral and polar, with histidine, which is basic and polar, at codon 1309 of the PTPN23 protein (p.Gln1309His). In summary, the available evidence is currently insufficient to determine the role of this variant in disease. Therefore, it has been classified as a Variant of Uncertain Significance. An algorithm developed to predict the effect of missense changes on protein structure and function (PolyPhen-2) suggests that this variant is likely to be disruptive. This variant has not been reported in the literature in individuals affected with PTPN23-related conditions. This variant is not present in population databases (gnomAD no frequency).